The following is an entry in ClinVar:

ClinVar aggregate classification (germline): Conflicting classifications of pathogenicity. Review status: criteria provided, conflicting classifications (1 of 4 stars). 7 submissions from 4 submitters: Uncertain significance (3); Likely benign (4). Last evaluated 2026-05-29.

Conditions:
PROM1-related disorder. Also called: PROM1-related disorders; PROM1-related condition.
Retinitis pigmentosa (RP). Identifiers: Orphanet 791, MedGen C0035334, MeSH D012174, MONDO:0019200, OMIM 268000. Inheritance: Autosomal dominant, autosomal recessive and X linked inheritance.
Retinal macular dystrophy type 2 (MCDR2). Also called: Bull's eye macular dystrophy. Identifiers: Orphanet 319640, MedGen C4749334, MONDO:0011957, OMIM 608051.
Cone-rod dystrophy 12 (CORD12). Identifiers: Orphanet 1872, MedGen C2675210, MONDO:0012983, OMIM 612657.
Stargardt disease 4 (STGD4). Identifiers: Orphanet 827, MedGen C1863534, MONDO:0011370, OMIM 603786.

Allele frequency attached by ClinVar (database versions not stated): gnomAD 0.00001; TOPMed 0.00001; gnomAD exomes 0.00005 and 0.00007; ExAC 0.00007.
gnomAD v4.1: 96 of 1,613,648 alleles (0.0059%); highest among the groups gnomAD compares: East Asian, 0.21%; no homozygotes.

Submissions (7):

PreventionGenetics, part of Exact Sciences
Classification: Likely benign for PROM1-related condition. Last evaluated: 2026-05-29. Review status: criteria provided, single submitter. Criteria: ACMG Guidelines, 2015. Collection method: clinical testing. Allele origin: germline.
Comment: This variant is classified as likely benign based on ACMG/AMP sequence variant interpretation guidelines (Richards et al. 2015 PMID: 25741868, with internal and published modifications).

Labcorp Genetics (formerly Invitae), Labcorp
Classification: Likely benign. Last evaluated: 2025-09-08. Review status: criteria provided, single submitter. Criteria: Invitae Variant Classification Sherloc (09022015). Collection method: clinical testing. Allele origin: germline.

Blueprint Genetics
Classification: Uncertain significance. Last evaluated: 2021-04-22. Review status: criteria provided, single submitter. Criteria: ACMG Guidelines, 2015. Collection method: clinical testing. Allele origin: germline.

Illumina Laboratory Services, Illumina
Classification: Likely benign for Stargardt disease 4. Last evaluated: 2018-01-13. Review status: criteria provided, single submitter. Criteria: ICSL Variant Classification Criteria 13 December 2019. Collection method: clinical testing. Allele origin: germline.
Comment: This variant was observed in the ICSL laboratory as part of a predisposition screen in an ostensibly healthy population. It had not been previously curated by ICSL or reported in the Human Gene Mutation Database (HGMD: prior to June 1st, 2018), and was therefore a candidate for classification through an automated scoring system. Utilizing variant allele frequency, disease prevalence and penetrance estimates, and inheritance mode, an automated score was calculated to assess if this variant is too frequent to cause the disease. Based on the score and internal cut-off values, a variant classified as likely benign is not then subjected to further curation. The score for this variant resulted in a classification of likely benign for this disease.

Illumina Laboratory Services, Illumina
Classification: Likely benign for Cone-rod dystrophy 12. Last evaluated: 2018-01-13. Review status: criteria provided, single submitter. Criteria: ICSL Variant Classification Criteria 13 December 2019. Collection method: clinical testing. Allele origin: germline.
Comment: the same text as in the submission from Illumina Laboratory Services, Illumina above.

Illumina Laboratory Services, Illumina
Classification: Uncertain significance for Retinitis pigmentosa. Last evaluated: 2018-01-13. Review status: criteria provided, single submitter. Criteria: ICSL Variant Classification Criteria 13 December 2019. Collection method: clinical testing. Allele origin: germline.

Illumina Laboratory Services, Illumina
Classification: Uncertain significance for Retinal macular dystrophy type 2. Last evaluated: 2018-01-13. Review status: criteria provided, single submitter. Criteria: ICSL Variant Classification Criteria 13 December 2019. Collection method: clinical testing. Allele origin: germline.

NM_006017.3(PROM1):c.2582+9A>C

Gene: PROM1 (prominin 1; minus strand). Cytogenetic location: 4p15.32.
Variant type: single nucleotide variant.
Coding change: c.2582+9A>C on transcript NM_006017.3 (MANE Select); 9 bases into the intron after coding-DNA position 2582, A replaced by C.
Molecular consequence: intron variant.
Genome position (GRCh38, 1-based): chr4:15,979,386, T>G on the plus strand (A>C on the coding strand, the complement: PROM1 is on the minus strand). VCF-style: chr4-15979386-T-G. GRCh37 (hg19) VCF-style: chr4-15981009-T-G.
Other names: c.2555+9A>C (NM_001145848.2, NM_001145847.2, NM_001371406.1); c.2462+1036A>C (NM_001145852.2, NM_001371408.1, NM_001371407.1); c.2489+1036A>C (NM_001145850.2); c.2486+495A>C (NM_001145851.2); c.2513+495A>C (NM_001145849.2).
Identifiers: ClinVar variation 900422 (VCV000900422.10), dbSNP rs200033458, ClinGen allele CA2866317.
Genomic context (GRCh38, chr4:15,979,386, plus strand): 5'-CAGTGCTGATCTATAGGAGATGAGACGGTTTATCATAGGGCGGGCATGCACTTCCAGACT[T>G]TGCTTTACCTTGTCATAACAGGATTGTGAATACCATATACATGATCTTTATGATAACCAT-3'